The following is an entry in ClinVar:

ClinVar aggregate classification (germline): Uncertain significance. Review status: criteria provided, multiple submitters, no conflicts (2 of 4 stars). 3 submissions from 3 submitters: Uncertain significance (3). Last evaluated 2026-01-25.

Conditions:
Gastrointestinal stromal tumor. Also called: Gastrointestinal stromal tumor, somatic; Gastrointestinal stroma tumor. Identifiers: Orphanet 44890, MedGen C0238198, MeSH D046152, MONDO:0011719, OMIM 606764, HP:0100723.
Hereditary cancer-predisposing syndrome. Also called: Neoplastic Syndromes, Hereditary; Tumor predisposition; Hereditary Cancer Syndrome; Hereditary neoplastic syndrome. Identifiers: Orphanet 140162, MedGen C0027672, MeSH D009386, MONDO:0015356.

Submissions (3):

Labcorp Genetics (formerly Invitae), Labcorp
Classification: Uncertain significance for Gastrointestinal stromal tumor. Last evaluated: 2026-01-25. Review status: criteria provided, single submitter. Criteria: Invitae Variant Classification Sherloc (09022015). Collection method: clinical testing. Allele origin: germline.
Comment: This sequence change replaces serine, which is neutral and polar, with phenylalanine, which is neutral and non-polar, at codon 877 of the KIT protein (p.Ser877Phe). This variant is not present in population databases (gnomAD no frequency). This variant has not been reported in the literature in individuals affected with KIT-related conditions. ClinVar contains an entry for this variant (Variation ID: 840051). An algorithm developed to predict the effect of missense changes on protein structure and function (PolyPhen-2) suggests that this variant is likely to be disruptive. In summary, the available evidence is currently insufficient to determine the role of this variant in disease. Therefore, it has been classified as a Variant of Uncertain Significance.

Ambry Genetics
Classification: Uncertain significance for Hereditary cancer-predisposing syndrome. Last evaluated: 2025-03-10. Review status: criteria provided, single submitter. Criteria: Ambry Variant Classification Scheme 2023. Collection method: clinical testing. Allele origin: germline.
Comment: The p.S877F variant (also known as c.2630C>T), located in coding exon 19 of the KIT gene, results from a C to T substitution at nucleotide position 2630. The serine at codon 877 is replaced by phenylalanine, an amino acid with highly dissimilar properties. This amino acid position is well conserved in available vertebrate species. In addition, the in silico prediction for this alteration is inconclusive. Based on the available evidence, the clinical significance of this variant remains unclear.

Baylor Genetics
Classification: Uncertain significance for Gastrointestinal stromal tumor. Last evaluated: 2023-09-15. Review status: criteria provided, single submitter. Criteria: ACMG Guidelines, 2015. Collection method: clinical testing. Allele origin: unknown.

NM_000222.3(KIT):c.2630C>T (p.Ser877Phe)

Gene: KIT (KIT proto-oncogene, receptor tyrosine kinase; plus strand). Cytogenetic location: 4q12.
Variant type: single nucleotide variant.
Coding change: c.2630C>T on transcript NM_000222.3 (MANE Select); coding-DNA position 2630, C replaced by T.
Protein change: p.Ser877Phe; replaces serine 877 with phenylalanine.
Molecular consequence: missense variant.
Genome position (GRCh38, 1-based): chr4:54,736,754, C>T. VCF-style: chr4-54736754-C-T. GRCh37 (hg19) VCF-style: chr4-55602920-C-T.
Other names: c.2618C>T, p.Ser873Phe (NM_001093772.2, NM_001385292.1); c.2633C>T, p.Ser878Phe (NM_001385284.1); c.2627C>T, p.Ser876Phe (NM_001385285.1); c.2615C>T, p.Ser872Phe (NM_001385286.1); c.2621C>T, p.Ser874Phe (NM_001385288.1); c.2630C>T, p.Ser877Phe (NM_001385290.1); short protein forms S873F, S877F, S872F, S874F, S876F, S878F.
Identifiers: ClinVar variation 840051 (VCV000840051.10), dbSNP rs1722943323, ClinGen allele CA356913790.